The following is an entry in ClinVar:

ClinVar aggregate classification (germline): Uncertain significance (1 of 4 stars; one submission).

Conditions:
Bloom syndrome (BLM). Also called: Bloom-Torre-Machacek syndrome. Identifiers: Orphanet 125, MedGen C0005859, MONDO:0008876, OMIM 210900.

Submission:

Labcorp Genetics (formerly Invitae), Labcorp
Classification: Uncertain significance for Bloom syndrome. Last evaluated: 2023-06-16. Review status: criteria provided, single submitter. Criteria: Invitae Variant Classification Sherloc (09022015). Collection method: clinical testing. Allele origin: germline.
Comment: This sequence change replaces glycine, which is neutral and non-polar, with valine, which is neutral and non-polar, at codon 478 of the BLM protein (p.Gly478Val). In summary, the available evidence is currently insufficient to determine the role of this variant in disease. Therefore, it has been classified as a Variant of Uncertain Significance. Advanced modeling of protein sequence and biophysical properties (such as structural, functional, and spatial information, amino acid conservation, physicochemical variation, residue mobility, and thermodynamic stability) performed at Invitae indicates that this missense variant is not expected to disrupt BLM protein function. This variant has not been reported in the literature in individuals affected with BLM-related conditions. This variant is not present in population databases (gnomAD no frequency).

NM_000057.4(BLM):c.1433G>T (p.Gly478Val)

Gene: BLM (BLM RecQ like helicase; plus strand). Cytogenetic location: 15q26.1.
Variant type: single nucleotide variant.
Coding change: c.1433G>T on transcript NM_000057.4 (MANE Select); coding-DNA position 1433, G replaced by T.
Protein change: p.Gly478Val; replaces glycine 478 with valine.
Molecular consequence: missense variant.
Genome position (GRCh38, 1-based): chr15:90,760,806, G>T. VCF-style: chr15-90760806-G-T. GRCh37 (hg19) VCF-style: chr15-91304036-G-T.
Other names: c.1433G>T, p.Gly478Val (NM_001287246.2, NM_001287247.2); c.308G>T, p.Gly103Val (NM_001287248.2); short protein forms G103V, G478V.
Identifiers: ClinVar variation 2831546 (VCV002831546.3), dbSNP rs759810567, ClinGen allele CA393843047.
Genomic context (GRCh38, chr15:90,760,806, plus strand): 5'-TTCCCTCAAATTCTGTTTCTCCTGGGGACTGTTTACTGACTACCACCCTAGGAAAGACAG[G>T]ATTCTCTGCCACCAGGAAGAATCTTTTTGAAAGGCCTTTATTCAATACCCATTTACAGAA-3'
Protein context (NP_000048.1, residues 468-488): CLLTTTLGKT[Gly478Val]FSATRKNLFE